The following is an entry in ClinVar:

NM_000051.4(ATM):c.4135C>T (p.Pro1379Ser)

Gene: ATM (ATM serine/threonine kinase; plus strand). Cytogenetic location: 11q22.3.
Variant type: single nucleotide variant.
Coding change: c.4135C>T on transcript NM_000051.4 (MANE Select); coding-DNA position 4135, C replaced by T.
Protein change: p.Pro1379Ser; replaces proline 1379 with serine.
Molecular consequence: missense variant.
Genome position (GRCh38, 1-based): chr11:108,289,002, C>T. VCF-style: chr11-108289002-C-T. GRCh37 (hg19) VCF-style: chr11-108159729-C-T.
Other names: c.4135C>T, p.Pro1379Ser (NM_001351834.2); short protein forms P1379S.
Identifiers: ClinVar variation 490557 (VCV000490557.16), dbSNP rs1555096828, ClinGen allele CA382529877.

ClinVar aggregate classification (germline): Uncertain significance. Review status: criteria provided, multiple submitters, no conflicts (2 of 4 stars). 4 submissions from 4 submitters: Uncertain significance (4). Last evaluated 2025-03-04.

Conditions:
Hereditary cancer-predisposing syndrome. Also called: Tumor predisposition; Neoplastic Syndromes, Hereditary; Hereditary Cancer Syndrome; Hereditary neoplastic syndrome. Identifiers: Orphanet 140162, MedGen C0027672, MeSH D009386, MONDO:0015356.
Ataxia-telangiectasia syndrome (AT). Also called: Ataxia-telangiectasia; Ataxia-telangiectasia, complementation group D; AT, COMPLEMENTATION GROUP C; LOUIS-BAR SYNDROME; Cerebello-oculocutaneous telangiectasia; Immunodeficiency with ataxia telangiectasia. Identifiers: Orphanet 100, MedGen C0004135, MONDO:0008840, OMIM 208900.

Allele frequency attached by ClinVar (database versions not stated): gnomAD 0.00001; gnomAD exomes below 0.00001; TOPMed below 0.00001.
gnomAD v4.1: 2 of 1,613,430 alleles (0.00012%); highest among the groups gnomAD compares: Non-Finnish European, 0.00017%; no homozygotes.

Submissions (4):

Center for Genomic Medicine, Rigshospitalet, Copenhagen University Hospital
Classification: Uncertain significance. Last evaluated: 2025-03-04. Review status: criteria provided, single submitter. Criteria: ACMG Guidelines, 2015. Collection method: clinical testing. Allele origin: germline.

Color Diagnostics, LLC DBA Color Health
Classification: Uncertain significance for Hereditary cancer-predisposing syndrome. Last evaluated: 2023-12-04. Review status: criteria provided, single submitter. Criteria: ACMG Guidelines, 2015. Collection method: clinical testing. Allele origin: germline.
Comment: This missense variant replaces proline with serine at codon 1379 of the ATM protein. Computational prediction suggests that this variant may not impact protein structure and function (internally defined REVEL score threshold <= 0.5, PMID: 27666373). To our knowledge, functional studies have not been reported for this variant. This variant has not been reported in individuals affected with ATM-related disorders in the literature. This variant has not been identified in the general population by the Genome Aggregation Database (gnomAD). The available evidence is insufficient to determine the role of this variant in disease conclusively. Therefore, this variant is classified as a Variant of Uncertain Significance.

Ambry Genetics
Classification: Uncertain significance for Hereditary cancer-predisposing syndrome. Last evaluated: 2023-09-10. Review status: criteria provided, single submitter. Criteria: Ambry Variant Classification Scheme 2023. Collection method: clinical testing. Allele origin: germline.
Comment: The p.P1379S variant (also known as c.4135C>T), located in coding exon 27 of the ATM gene, results from a C to T substitution at nucleotide position 4135. The proline at codon 1379 is replaced by serine, an amino acid with similar properties. This amino acid position is conserved. In addition, the in silico prediction for this alteration is inconclusive. Since supporting evidence is limited at this time, the clinical significance of this alteration remains unclear.

Labcorp Genetics (formerly Invitae), Labcorp
Classification: Uncertain significance for Ataxia-telangiectasia syndrome. Last evaluated: 2022-06-03. Review status: criteria provided, single submitter. Criteria: Invitae Variant Classification Sherloc (09022015). Collection method: clinical testing. Allele origin: germline.
Comment: This sequence change replaces proline, which is neutral and non-polar, with serine, which is neutral and polar, at codon 1379 of the ATM protein (p.Pro1379Ser). This variant is not present in population databases (gnomAD no frequency). This variant has not been reported in the literature in individuals affected with ATM-related conditions. ClinVar contains an entry for this variant (Variation ID: 490557). Advanced modeling of protein sequence and biophysical properties (such as structural, functional, and spatial information, amino acid conservation, physicochemical variation, residue mobility, and thermodynamic stability) performed at Invitae indicates that this missense variant is not expected to disrupt ATM protein function. In summary, the available evidence is currently insufficient to determine the role of this variant in disease. Therefore, it has been classified as a Variant of Uncertain Significance.